The following is an entry in ClinVar:

NM_006351.4(TIMM44):c.683+16T>A

Gene: TIMM44 (translocase of inner mitochondrial membrane 44; minus strand). Cytogenetic location: 19p13.2.
Variant type: single nucleotide variant.
Coding change: c.683+16T>A on transcript NM_006351.4 (MANE Select); 16 bases into the intron after coding-DNA position 683, T replaced by A.
Molecular consequence: intron variant.
Genome position (GRCh38, 1-based): chr19:7,933,848, A>T on the plus strand (T>A on the coding strand, the complement: TIMM44 is on the minus strand). VCF-style: chr19-7933848-A-T. GRCh37 (hg19) VCF-style: chr19-7998733-A-T.
Identifiers: ClinVar variation 137643 (VCV000137643.2), dbSNP rs35483559, ClinGen allele CA291288.
Genomic context (GRCh38, chr19:7,933,848, plus strand): 5'-TTGGTGGGCTCCCGAAATGGACAGCAGTGAAAGCTGCCCAAAATGGGGGCAGCGAGGGCC[A>T]CGGGCTGGTACCTACTCGTTTGGCTCAAACACTTTCTCCTCCTTGAACTTATCTCCCGCA-3'

ClinVar aggregate classification (germline): Benign. Review status: criteria provided, multiple submitters, no conflicts (2 of 4 stars). 2 submissions from 2 submitters: Benign (2). Last evaluated 2014-01-09.

Allele frequency attached by ClinVar (database versions not stated): TOPMed 0.05646; gnomAD exomes 0.05796 and 0.06781; gnomAD 0.06027 and 0.05978; ESP Exome Variant Server 0.05982; ExAC 0.05735; 1000 Genomes Project 30x 0.04747; 1000 Genomes Project 0.04792.
gnomAD v4.1: 108,084 of 1,613,894 alleles (6.7%); highest among the groups gnomAD compares: Middle Eastern, 7.7%; 3,765 homozygotes.

Submissions (2):

GeneDx
Classification: Benign. Last evaluated: 2014-01-09. Review status: criteria provided, single submitter. Criteria: GeneDx Variant Classification (06012015). Collection method: clinical testing. Allele origin: germline. Affected: yes.
Comment: This variant is considered likely benign or benign based on one or more of the following criteria: it is a conservative change, it occurs at a poorly conserved position in the protein, it is predicted to be benign by multiple in silico algorithms, and/or has population frequency not consistent with disease.

Breakthrough Genomics
Classification: Benign. Review status: criteria provided, single submitter. Criteria: ACMG Guidelines, 2015. Collection method: not provided. Allele origin: germline. Inheritance: Unknown mechanism. Affected: yes.